The following is an entry in ClinVar:

NM_002439.5(MSH3):c.260A>G (p.Lys87Arg)

Gene: MSH3 (mutS homolog 3; plus strand). Cytogenetic location: 5q14.1.
Variant type: single nucleotide variant.
Coding change: c.260A>G on transcript NM_002439.5 (MANE Select); coding-DNA position 260, A replaced by G.
Protein change: p.Lys87Arg; replaces lysine 87 with arginine.
Molecular consequence: missense variant.
Genome position (GRCh38, 1-based): chr5:80,656,433, A>G. VCF-style: chr5-80656433-A-G. GRCh37 (hg19) VCF-style: chr5-79952252-A-G.
Other names: short protein forms K87R.
Identifiers: ClinVar variation 4738358 (VCV004738358.1).

ClinVar aggregate classification (germline): Uncertain significance (1 of 4 stars; one submission).

gnomAD v4.1: 1 of 1,614,148 alleles (0.000062%); highest among the groups gnomAD compares: Admixed American, 0.0017%; no homozygotes.

Submission:

Labcorp Genetics (formerly Invitae), Labcorp
Classification: Uncertain significance. Last evaluated: 2025-03-07. Review status: criteria provided, single submitter. Criteria: Invitae Variant Classification Sherloc (09022015). Collection method: clinical testing. Allele origin: germline.
Comment: This sequence change replaces lysine, which is basic and polar, with arginine, which is basic and polar, at codon 87 of the MSH3 protein (p.Lys87Arg). This variant is not present in population databases (gnomAD no frequency). This variant has not been reported in the literature in individuals affected with MSH3-related conditions. An algorithm developed to predict the effect of missense changes on protein structure and function outputs the following: PolyPhen-2: "Benign". The arginine amino acid residue is found in multiple mammalian species, which suggests that this missense change does not adversely affect protein function. In summary, the available evidence is currently insufficient to determine the role of this variant in disease. Therefore, it has been classified as a Variant of Uncertain Significance.